The following is an entry in ClinVar:

ClinVar aggregate classification (germline): Uncertain significance. Review status: criteria provided, multiple submitters, no conflicts (2 of 4 stars). 6 submissions from 6 submitters: Uncertain significance (6). Last evaluated 2025-03-21.

Conditions:
Inborn genetic diseases. Identifiers: MedGen C0950123, MeSH D030342.
AMACR-related disorder. Also called: AMACR-Related Disorders; AMACR-related condition.
Alpha-methylacyl-CoA racemase deficiency (AMACRD). Also called: AMACR deficiency. Identifiers: Orphanet 79095, MedGen C3280428, MONDO:0013681, OMIM 614307. Disease mechanism: loss of function.

gnomAD v4.1: 54 of 1,613,944 alleles (0.0033%); highest among the groups gnomAD compares: Admixed American, 0.0067%; no homozygotes.

Submissions (6):

PreventionGenetics, part of Exact Sciences
Classification: Uncertain significance for AMACR-related condition. Last evaluated: 2025-03-21. Review status: criteria provided, single submitter. Criteria: ACMG Guidelines, 2015. Collection method: clinical testing. Allele origin: germline.
Comment: The AMACR c.289C>T variant is predicted to result in the amino acid substitution p.Arg97Trp. To our knowledge, this variant has not been reported in the literature. This variant is reported in 0.0056% of alleles in individuals of Latino descent in gnomAD. At this time, the clinical significance of this variant is uncertain due to the absence of conclusive functional and genetic evidence.

Women's Health and Genetics/Laboratory Corporation of America, LabCorp
Classification: Uncertain significance. Last evaluated: 2024-08-09. Review status: criteria provided, single submitter. Criteria: LabCorp Variant Classification Summary - May 2015. Collection method: clinical testing. Allele origin: germline.
Comment: Variant summary: AMACR c.289C>T (p.Arg97Trp) results in a non-conservative amino acid change in the encoded protein sequence. Three of five in-silico tools predict a damaging effect of the variant on protein function. The variant allele was found at a frequency of 3.2e-05 in 251406 control chromosomes. The available data on variant occurrences in the general population are insufficient to allow any conclusion about variant significance. To our knowledge, no occurrence of c.289C>T in individuals affected with AMACR-Related Disorders and no experimental evidence demonstrating its impact on protein function have been reported. ClinVar contains an entry for this variant (Variation ID: 1357314). Based on the evidence outlined above, the variant was classified as uncertain significance.

Ambry Genetics
Classification: Uncertain significance for Inborn genetic diseases. Last evaluated: 2024-07-16. Review status: criteria provided, single submitter. Criteria: Ambry Variant Classification Scheme 2023. Collection method: clinical testing. Allele origin: germline.

Mayo Clinic Laboratories, Mayo Clinic
Classification: Uncertain significance. Last evaluated: 2023-02-24. Review status: criteria provided, single submitter. Criteria: ACMG Guidelines, 2015. Collection method: clinical testing. Allele origin: germline. Observed: 1 variant allele.
Comment: BP4, PM2

Labcorp Genetics (formerly Invitae), Labcorp
Classification: Uncertain significance for Alpha-methylacyl-CoA racemase deficiency. Last evaluated: 2022-07-30. Review status: criteria provided, single submitter. Criteria: Invitae Variant Classification Sherloc (09022015). Collection method: clinical testing. Allele origin: germline.
Comment: This sequence change replaces arginine, which is basic and polar, with tryptophan, which is neutral and slightly polar, at codon 97 of the AMACR protein (p.Arg97Trp). This variant is present in population databases (rs757072374, gnomAD 0.006%). This variant has not been reported in the literature in individuals affected with AMACR-related conditions. ClinVar contains an entry for this variant (Variation ID: 1357314). Algorithms developed to predict the effect of missense changes on protein structure and function are either unavailable or do not agree on the potential impact of this missense change (SIFT: "Deleterious"; PolyPhen-2: "Possibly Damaging"; Align-GVGD: "Class C0"). In summary, the available evidence is currently insufficient to determine the role of this variant in disease. Therefore, it has been classified as a Variant of Uncertain Significance.

Blueprint Genetics
Classification: Uncertain significance. Last evaluated: 2021-07-29. Review status: criteria provided, single submitter. Criteria: ACMG Guidelines, 2015. Collection method: clinical testing. Allele origin: germline.

NM_014324.6(AMACR):c.289C>T (p.Arg97Trp)

Genes: AMACR (alpha-methylacyl-CoA racemase; minus strand), C1QTNF3-AMACR (C1QTNF3-AMACR readthrough (NMD candidate); minus strand). Cytogenetic location: 5p13.2.
Variant type: single nucleotide variant.
Coding change: c.289C>T on transcript NM_014324.6 (MANE Select); coding-DNA position 289, C replaced by T.
Protein change: p.Arg97Trp; replaces arginine 97 with tryptophan.
Molecular consequence: missense variant. On other transcripts: non-coding transcript variant (1).
Genome position (GRCh38, 1-based): chr5:34,005,858, G>A on the plus strand (C>T on the coding strand, the complement: AMACR is on the minus strand). VCF-style: chr5-34005858-G-A. GRCh37 (hg19) VCF-style: chr5-34005963-G-A.
Other names: p.Arg97Trp; c.289C>T, p.Arg97Trp (NM_001167595.2, NM_203382.3); c.289C>T (NM_014324.5); short protein forms R97W.
Identifiers: ClinVar variation 1357314 (VCV001357314.10), dbSNP rs757072374, ClinGen allele CA3226247.
Genomic context (GRCh38, chr5:34,005,858, plus strand): 5'-AGAAGCTTCCTGACTGGCCAAATCCACTCAGCCTGGCATAAATAAGCCTTGGATTTTCCC[G>A]CTGCAGAATCTCTGGGCCCAGCTGGAGTTTCTCCATGACACCTTAAGAGAAAAGTAACGA-3'
Protein context (NP_055139.4, residues 87-107): KLQLGPEILQ[Arg97Trp]ENPRLIYARL